The following is an entry in ClinVar:

ClinVar aggregate classification (germline): Conflicting classifications of pathogenicity. Review status: criteria provided, conflicting classifications (1 of 4 stars). 2 submissions from 1 submitter: Uncertain significance (1); Benign (1). Last evaluated 2018-01-12.

Conditions:
Emery-Dreifuss muscular dystrophy 4, autosomal dominant (EDMD4). Also called: EMERY-DREIFUSS MUSCULAR DYSTROPHY 4 WITH VARIABLE FEATURES. Identifiers: Orphanet 261, MedGen C2751807, MONDO:0013071, OMIM 612998.
Autosomal recessive ataxia, Beauce type. Also called: SYNE1 Deficiency; SYNE1-Related Autosomal Recessive Cerebellar Ataxia; Spinocerebellar ataxia, autosomal recessive 8; ATAXIA, RECESSIVE, OF BEAUCE. Identifiers: Orphanet 88644, MedGen C1853116, MONDO:0012549, OMIM 610743.

Allele frequency attached by ClinVar (database versions not stated): TOPMed 0.00002.
gnomAD v4.1: 13 of 1,613,914 alleles (0.00081%); highest among the groups gnomAD compares: Middle Eastern, 0.016%; no homozygotes.

Submissions (2):

Illumina Laboratory Services, Illumina
Classification: Benign for Emery-Dreifuss muscular dystrophy 4, autosomal dominant. Last evaluated: 2018-01-12. Review status: criteria provided, single submitter. Criteria: ICSL Variant Classification Criteria 13 December 2019. Collection method: clinical testing. Allele origin: germline.
Comment: This variant was observed in the ICSL laboratory as part of a predisposition screen in an ostensibly healthy population. It had not been previously curated by ICSL or reported in the Human Gene Mutation Database (HGMD: prior to June 1st, 2018), and was therefore a candidate for classification through an automated scoring system. Utilizing variant allele frequency, disease prevalence and penetrance estimates, and inheritance mode, an automated score was calculated to assess if this variant is too frequent to cause the disease. Based on the score and internal cut-off values, a variant classified as benign is not then subjected to further curation. The score for this variant resulted in a classification of benign for this disease.

Illumina Laboratory Services, Illumina
Classification: Uncertain significance for Autosomal recessive ataxia, Beauce type. Last evaluated: 2018-01-12. Review status: criteria provided, single submitter. Criteria: ICSL Variant Classification Criteria 13 December 2019. Collection method: clinical testing. Allele origin: germline.

NM_182961.4(SYNE1):c.19656C>T (p.Val6552=)

Gene: SYNE1 (spectrin repeat containing nuclear envelope protein 1; minus strand). Cytogenetic location: 6q25.2.
Variant type: single nucleotide variant.
Coding change: c.19656C>T on transcript NM_182961.4 (MANE Select); coding-DNA position 19656, C replaced by T.
Protein change: p.Val6552=; no amino-acid change (valine 6552 retained).
Molecular consequence: synonymous variant.
Genome position (GRCh38, 1-based): chr6:152,244,573, G>A on the plus strand (C>T on the coding strand, the complement: SYNE1 is on the minus strand). VCF-style: chr6-152244573-G-A. GRCh37 (hg19) VCF-style: chr6-152565708-G-A.
Other names: c.19443C>T, p.Val6481= (NM_033071.5).
Identifiers: ClinVar variation 355841 (VCV000355841.5), dbSNP rs773211579, ClinGen allele CA4054620.